The following is an entry in ClinVar:

ClinVar aggregate classification (germline): Uncertain significance. Review status: criteria provided, multiple submitters, no conflicts (2 of 4 stars). 2 submissions from 2 submitters: Uncertain significance (2). Last evaluated 2025-11-10.

Conditions:
Autosomal recessive nonsyndromic hearing loss 97. Also called: Deafness, autosomal recessive 97. Identifiers: Orphanet 90636, MedGen C4084709, MONDO:0014739, OMIM 616705.
Hereditary cancer-predisposing syndrome. Also called: Neoplastic Syndromes, Hereditary; Tumor predisposition; Hereditary Cancer Syndrome; Hereditary neoplastic syndrome. Identifiers: Orphanet 140162, MedGen C0027672, MeSH D009386, MONDO:0015356.

Allele frequency attached by ClinVar (database versions not stated): gnomAD exomes below 0.00001; ExAC 0.00002.
gnomAD v4.1: 3 of 1,613,934 alleles (0.00019%); highest among the groups gnomAD compares: South Asian, 0.0022%; no homozygotes.

Submissions (2):

Ambry Genetics
Classification: Uncertain significance for Hereditary cancer-predisposing syndrome. Last evaluated: 2025-11-10. Review status: criteria provided, single submitter. Criteria: Ambry Variant Classification Scheme 2023. Collection method: clinical testing. Allele origin: germline.
Comment: The p.I959V variant (also known as c.2875A>G), located in coding exon 12 of the MET gene, results from an A to G substitution at nucleotide position 2875. The isoleucine at codon 959 is replaced by valine, an amino acid with highly similar properties. This amino acid position is conserved. In addition, this alteration is predicted to be tolerated by in silico analysis. Based on the available evidence, the clinical significance of this variant remains unclear.

Baylor Genetics
Classification: Uncertain significance for Autosomal recessive nonsyndromic hearing loss 97. Last evaluated: 2023-06-16. Review status: criteria provided, single submitter. Criteria: ACMG Guidelines, 2015. Collection method: clinical testing. Allele origin: unknown.

NM_000245.4(MET):c.2821A>G (p.Ile941Val)

Gene: MET (MET proto-oncogene, receptor tyrosine kinase; plus strand). Cytogenetic location: 7q31.2.
Variant type: single nucleotide variant.
Coding change: c.2821A>G on transcript NM_000245.4 (MANE Select); coding-DNA position 2821, A replaced by G.
Protein change: p.Ile941Val; replaces isoleucine 941 with valine.
Molecular consequence: missense variant.
Genome position (GRCh38, 1-based): chr7:116,771,588, A>G. VCF-style: chr7-116771588-A-G. GRCh37 (hg19) VCF-style: chr7-116411642-A-G.
Other names: c.2875A>G, p.Ile959Val (NM_001127500.3); c.1531A>G, p.Ile511Val (NM_001324402.2); short protein forms I511V, I941V, I959V.
Identifiers: ClinVar variation 2676526 (VCV002676526.2), dbSNP rs751909630, ClinGen allele CA4448589.
Genomic context (GRCh38, chr7:116,771,588, plus strand): 5'-GGAAAAGTAATAGTTCAACCAGATCAGAATTTCACAGGATTGATTGCTGGTGTTGTCTCA[A>G]TATCAACAGCACTGTTATTACTACTTGGGTTTTTCCTGTGGCTGAAAAAGAGAAAGCAAA-3'
Protein context (NP_000236.2, residues 931-951): FTGLIAGVVS[Ile941Val]STALLLLLGF